The following is an entry in ClinVar:

ClinVar aggregate classification (germline): Uncertain significance (1 of 4 stars; one submission).

Allele frequency attached by ClinVar (database versions not stated): gnomAD exomes below 0.00001.
gnomAD v4.1: 1 of 1,614,162 alleles (0.000062%); highest among the groups gnomAD compares: Non-Finnish European, 0.000085%; no homozygotes.

Submission:

Labcorp Genetics (formerly Invitae), Labcorp
Classification: Uncertain significance. Last evaluated: 2022-09-07. Review status: criteria provided, single submitter. Criteria: Invitae Variant Classification Sherloc (09022015). Collection method: clinical testing. Allele origin: germline.
Comment: In summary, the available evidence is currently insufficient to determine the role of this variant in disease. Therefore, it has been classified as a Variant of Uncertain Significance. Algorithms developed to predict the effect of missense changes on protein structure and function (SIFT, PolyPhen-2, Align-GVGD) all suggest that this variant is likely to be tolerated. This variant has not been reported in the literature in individuals affected with FERMT1-related conditions. This variant is not present in population databases (gnomAD no frequency). This sequence change replaces glutamic acid, which is acidic and polar, with lysine, which is basic and polar, at codon 13 of the FERMT1 protein (p.Glu13Lys).

NM_017671.5(FERMT1):c.37G>A (p.Glu13Lys)

Gene: FERMT1 (FERM domain containing kindlin 1; minus strand). Cytogenetic location: 20p12.3.
Variant type: single nucleotide variant.
Coding change: c.37G>A on transcript NM_017671.5 (MANE Select); coding-DNA position 37, G replaced by A.
Protein change: p.Glu13Lys; replaces glutamic acid 13 with lysine.
Molecular consequence: missense variant.
Genome position (GRCh38, 1-based): chr20:6,119,518, C>T on the plus strand (G>A on the coding strand, the complement: FERMT1 is on the minus strand). VCF-style: chr20-6119518-C-T. GRCh37 (hg19) VCF-style: chr20-6100165-C-T.
Other names: short protein forms E13K.
Identifiers: ClinVar variation 2003343 (VCV002003343.4), dbSNP rs1177117470, ClinGen allele CA408195669.